The following is an entry in ClinVar:

NM_002880.4(RAF1):c.247A>T (p.Met83Leu)

Gene: RAF1 (Raf-1 proto-oncogene, serine/threonine kinase; minus strand). Cytogenetic location: 3p25.2.
Variant type: single nucleotide variant.
Coding change: c.247A>T on transcript NM_002880.4 (MANE Select); coding-DNA position 247, A replaced by T.
Protein change: p.Met83Leu; replaces methionine 83 with leucine.
Molecular consequence: missense variant. On other transcripts: non-coding transcript variant (3), intron variant (4).
Genome position (GRCh38, 1-based): chr3:12,612,023, T>A on the plus strand (A>T on the coding strand, the complement: RAF1 is on the minus strand). VCF-style: chr3-12612023-T-A. GRCh37 (hg19) VCF-style: chr3-12653522-T-A.
Other names: c.247A>T, p.Met83Leu (NM_001354689.3, NM_001354690.3, NM_001354693.3); c.78-2688A>T (NM_001354695.3, NM_001354692.3, NM_001354694.3 and 1 more transcripts); short protein forms M83L.
Identifiers: ClinVar variation 5027854 (VCV005027854.1).

ClinVar aggregate classification (germline): Uncertain significance (1 of 4 stars; one submission).

Conditions:
Cardiovascular phenotype. Identifiers: MedGen CN230736.

gnomAD v4.1: 1 of 1,614,022 alleles (0.000062%); highest among the groups gnomAD compares: African/African-American, 0.0013%; no homozygotes.

Submission:

Ambry Genetics
Classification: Uncertain significance for Cardiovascular phenotype. Last evaluated: 2026-07-09. Review status: criteria provided, single submitter. Criteria: Ambry Variant Classification Scheme 2023. Collection method: clinical testing. Allele origin: germline.
Comment: The p.M83L variant (also known as c.247A>T), located in coding exon 2 of the RAF1 gene, results from an A to T substitution at nucleotide position 247. The methionine at codon 83 is replaced by leucine, an amino acid with highly similar properties. This amino acid position is conserved. In addition, this alteration is predicted to be tolerated by in silico analysis. Based on the available evidence, the clinical significance of this variant remains unclear.